The following is an entry in ClinVar:

NM_000170.3(GLDC):c.2902G>T (p.Val968Leu)

Gene: GLDC (glycine decarboxylase; minus strand). Cytogenetic location: 9p24.1.
Variant type: single nucleotide variant.
Coding change: c.2902G>T on transcript NM_000170.3 (MANE Select); coding-DNA position 2902, G replaced by T.
Protein change: p.Val968Leu; replaces valine 968 with leucine.
Molecular consequence: missense variant.
Genome position (GRCh38, 1-based): chr9:6,534,725, C>A on the plus strand (G>T on the coding strand, the complement: GLDC is on the minus strand). VCF-style: chr9-6534725-C-A. GRCh37 (hg19) VCF-style: chr9-6534725-C-A.
Other names: short protein forms V968L.
Identifiers: ClinVar variation 3612765 (VCV003612765.2).

ClinVar aggregate classification (germline): Uncertain significance (1 of 4 stars; one submission).

Conditions:
Glycine encephalopathy. Also called: Nonketotic hyperglycinemia; Non-ketotic hyperglycinemia. Identifiers: Orphanet 407, MedGen C0751748, MONDO:0011612, HP:0008288.

gnomAD v4.1: 1 of 1,598,278 alleles (0.000063%); no homozygotes.

Submission:

Labcorp Genetics (formerly Invitae), Labcorp
Classification: Uncertain significance for Glycine encephalopathy. Last evaluated: 2024-10-23. Review status: criteria provided, single submitter. Criteria: Invitae Variant Classification Sherloc (09022015). Collection method: clinical testing. Allele origin: germline.
Comment: This sequence change replaces valine, which is neutral and non-polar, with leucine, which is neutral and non-polar, at codon 968 of the GLDC protein (p.Val968Leu). This variant is not present in population databases (gnomAD no frequency). This variant has not been reported in the literature in individuals affected with GLDC-related conditions. Invitae Evidence Modeling of protein sequence and biophysical properties (such as structural, functional, and spatial information, amino acid conservation, physicochemical variation, residue mobility, and thermodynamic stability) indicates that this missense variant is not expected to disrupt GLDC protein function with a negative predictive value of 95%. In summary, the available evidence is currently insufficient to determine the role of this variant in disease. Therefore, it has been classified as a Variant of Uncertain Significance.